The following is an entry in ClinVar:

ClinVar aggregate classification (germline): Benign (1 of 4 stars; one submission).

Submission:

Laboratory for Molecular Medicine, Mass General Brigham Personalized Medicine
Classification: Benign. Last evaluated: 2016-03-29. Review status: criteria provided, single submitter. Criteria: LMM Criteria. Collection method: clinical testing. Allele origin: germline.
Comment: Variant identified in a genome or exome case(s) and assessed due to predicted null impact of the variant or pathogenic assertions in the literature or databases. Disclaimer: This variant has not undergone full assessment. The following are preliminary notes: Frequency

NM_017439.4(GSAP):c.577-13_577-11del

Gene: GSAP (gamma-secretase activating protein; minus strand). Cytogenetic location: 7q11.23.
Variant type: Deletion.
Coding change: c.577-13_577-11del on transcript NM_017439.4 (MANE Select); 13 bases into the intron before coding-DNA position 577 through 11 bases into the intron before coding-DNA position 577, 3 bases deleted (TTT; older notation c.577-13_577-11delTTT).
Molecular consequence: intron variant.
Genome position (GRCh38, 1-based): chr7:77,377,401-77,377,403, AAA deleted on the plus strand (TTT on the coding strand, the reverse complement: GSAP is on the minus strand); deleting any 3 consecutive bases within chr7:77,377,401-77,377,422 gives the same sequence; the c. name uses the placement nearest the transcript's 3' end. VCF-style (leftmost placement, unchanged base first): chr7-77377400-CAAA-C. GRCh37 (hg19) VCF-style: chr7-77006717-CAAA-C.
Other names: c.-69-13_-69-11del (NM_001350901.2, NM_001350900.2); c.520-13_520-11del (NM_001350898.2); c.577-13_577-11del (NM_001350897.2, NM_001350899.2, NM_001350896.2).
Identifiers: ClinVar variation 402912 (VCV000402912.4), dbSNP rs56314229, ClinGen allele CA16609737.